The following is an entry in ClinVar:

ClinVar aggregate classification (germline): Uncertain significance (1 of 4 stars; one submission).

Submission:

Labcorp Genetics (formerly Invitae), Labcorp
Classification: Uncertain significance. Last evaluated: 2025-11-19. Review status: criteria provided, single submitter. Criteria: Invitae Variant Classification Sherloc (09022015). Collection method: clinical testing. Allele origin: germline.
Comment: This sequence change replaces histidine, which is basic and polar, with glutamine, which is neutral and polar, at codon 1810 of the POLE protein (p.His1810Gln). This variant is not present in population databases (gnomAD no frequency). This variant has not been reported in the literature in individuals affected with POLE-related conditions. ClinVar contains an entry for this variant (Variation ID: 1349610). Invitae Evidence Modeling of protein sequence and biophysical properties (such as structural, functional, and spatial information, amino acid conservation, physicochemical variation, residue mobility, and thermodynamic stability) indicates that this missense variant is not expected to disrupt POLE protein function with a negative predictive value of 80%. In summary, the available evidence is currently insufficient to determine the role of this variant in disease. Therefore, it has been classified as a Variant of Uncertain Significance.

NM_006231.4(POLE):c.5430C>G (p.His1810Gln)

Gene: POLE (DNA polymerase epsilon, catalytic subunit; minus strand). Cytogenetic location: 12q24.33.
Variant type: single nucleotide variant.
Coding change: c.5430C>G on transcript NM_006231.4 (MANE Select); coding-DNA position 5430, C replaced by G.
Protein change: p.His1810Gln; replaces histidine 1810 with glutamine.
Molecular consequence: missense variant.
Genome position (GRCh38, 1-based): chr12:132,639,247, G>C on the plus strand (C>G on the coding strand, the complement: POLE is on the minus strand). VCF-style: chr12-132639247-G-C. GRCh37 (hg19) VCF-style: chr12-133215833-G-C.
Other names: short protein forms H1810Q.
Identifiers: ClinVar variation 1349610 (VCV001349610.6), dbSNP rs2138510596, ClinGen allele CA387374896.